The following is an entry in ClinVar:

NM_000038.6(APC):c.834+20A>G

Gene: APC (APC regulator of Wnt signaling pathway; plus strand). Cytogenetic location: 5q22.2.
Variant type: single nucleotide variant.
Coding change: c.834+20A>G on transcript NM_000038.6 (MANE Select); 20 bases into the intron after coding-DNA position 834, A replaced by G.
Molecular consequence: intron variant.
Genome position (GRCh38, 1-based): chr5:112,801,403, A>G. VCF-style: chr5-112801403-A-G. GRCh37 (hg19) VCF-style: chr5-112137100-A-G.
Other names: c.834+20A>G (NM_001354895.2, NM_001127510.3, NM_001354896.2 and 1 more transcripts); c.864+20A>G (NM_001354897.2, NM_001354902.2); c.780+20A>G (NM_001127511.3); c.759+20A>G (NM_001354898.2, NM_001354904.2); c.-202+20A>G (NM_001354906.2); c.750+20A>G (NM_001354899.2); c.657+20A>G (NM_001354900.2, NM_001354901.2, NM_001354905.2).
Identifiers: ClinVar variation 380545 (VCV000380545.11), dbSNP rs745640474, ClinGen allele CA050470.

ClinVar aggregate classification (germline): Likely benign. Review status: criteria provided, multiple submitters, no conflicts (2 of 4 stars). 3 submissions from 3 submitters: Likely benign (3). Last evaluated 2026-01-12.

Conditions:
Hereditary cancer-predisposing syndrome. Also called: Tumor predisposition; Hereditary neoplastic syndrome; Neoplastic Syndromes, Hereditary; Hereditary Cancer Syndrome. Identifiers: Orphanet 140162, MedGen C0027672, MeSH D009386, MONDO:0015356.
Familial adenomatous polyposis 1 (FAP1). Also called: FAMILIAL ADENOMATOUS POLYPOSIS 1, ATTENUATED; POLYPOSIS, ADENOMATOUS INTESTINAL. Identifiers: MedGen C2713442, MONDO:0021056, OMIM 175100. Disease mechanism: loss of function.

Allele frequency attached by ClinVar (database versions not stated): gnomAD exomes 0.00001 and 0.00002; ExAC 0.00002; gnomAD 0.00005 and 0.00006; TOPMed 0.00006.
gnomAD v4.1: 13 of 1,507,962 alleles (0.00086%); highest among the groups gnomAD compares: African/African-American, 0.013%; no homozygotes.

Submissions (3):

Labcorp Genetics (formerly Invitae), Labcorp
Classification: Likely benign for Familial adenomatous polyposis 1. Last evaluated: 2026-01-12. Review status: criteria provided, single submitter. Criteria: Invitae Variant Classification Sherloc (09022015). Collection method: clinical testing. Allele origin: germline.

Color Diagnostics, LLC DBA Color Health
Classification: Likely benign for Hereditary cancer-predisposing syndrome. Last evaluated: 2017-03-27. Review status: criteria provided, single submitter. Criteria: ACMG Guidelines, 2015. Collection method: clinical testing. Allele origin: germline.

GeneDx
Classification: Likely benign. Last evaluated: 2016-08-09. Review status: criteria provided, single submitter. Criteria: GeneDx Variant Classification (06012015). Collection method: clinical testing. Allele origin: germline. Affected: yes.
Comment: This variant is considered likely benign or benign based on one or more of the following criteria: it is a conservative change, it occurs at a poorly conserved position in the protein, it is predicted to be benign by multiple in silico algorithms, and/or has population frequency not consistent with disease.